The following is an entry in ClinVar:

NM_016245.5(HSD17B11):c.639A>C (p.Thr213=)

Gene: HSD17B11 (hydroxysteroid 17-beta dehydrogenase 11; minus strand). Cytogenetic location: 4q22.1.
Variant type: single nucleotide variant.
Coding change: c.639A>C on transcript NM_016245.5 (MANE Select); coding-DNA position 639, A replaced by C.
Protein change: p.Thr213=; no amino-acid change (threonine 213 retained).
Molecular consequence: synonymous variant.
Genome position (GRCh38, 1-based): chr4:87,357,335, T>G on the plus strand (A>C on the coding strand, the complement: HSD17B11 is on the minus strand). VCF-style: chr4-87357335-T-G. GRCh37 (hg19) VCF-style: chr4-88278487-T-G.
Identifiers: ClinVar variation 2654891 (VCV002654891.24), dbSNP rs2529352981, ClinGen allele CA440240838.

ClinVar aggregate classification (germline): Likely benign (1 of 4 stars; one submission).

Submission:

CeGaT Center for Human Genetics Tuebingen
Classification: Likely benign. Last evaluated: 2022-10-01. Review status: criteria provided, single submitter. Criteria: CeGaT Center For Human Genetics Tuebingen Variant Classification Criteria Version 2. Collection method: clinical testing. Allele origin: germline. Affected: yes. Observed: 1 variant allele.
Comment: HSD17B11: PM2:Supporting, BP4, BP7